The following is an entry in ClinVar:

NM_000574.5(CD55):c.262dup (p.Ser88fs)

Gene: CD55 (CD55 molecule (Cromer blood group); plus strand). Cytogenetic location: 1q32.2.
Variant type: Duplication.
Coding change: c.262dup on transcript NM_000574.5 (MANE Select); coding-DNA position 262, one base duplicated (T; older notation c.262dupT).
Protein change: p.Ser88fs; shifts the reading frame from serine 88.
Molecular consequence: frameshift variant. On other transcripts: non-coding transcript variant (1).
Genome position (GRCh38, 1-based): chr1:207,322,543, T duplicated. VCF-style (leftmost placement, unchanged base first): chr1-207322542-G-GT. GRCh37 (hg19) VCF-style: chr1-207495887-G-GT.
Other names: c.262dup, p.Ser88fs (NM_001114752.3, NM_001300902.2, NM_001300903.2 and 1 more transcripts); short protein forms S88fs.
Identifiers: ClinVar variation 2034251 (VCV002034251.4), dbSNP rs2526924725, ClinGen allele CA2580061945.

ClinVar aggregate classification (germline): Pathogenic (1 of 4 stars; one submission).

Submission:

Labcorp Genetics (formerly Invitae), Labcorp
Classification: Pathogenic. Last evaluated: 2022-10-05. Review status: criteria provided, single submitter. Criteria: Invitae Variant Classification Sherloc (09022015). Collection method: clinical testing. Allele origin: germline.
Comment: For these reasons, this variant has been classified as Pathogenic. This variant has not been reported in the literature in individuals affected with CD55-related conditions. This variant is not present in population databases (gnomAD no frequency). This sequence change creates a premature translational stop signal (p.Ser88Phefs*4) in the CD55 gene. It is expected to result in an absent or disrupted protein product. Loss-of-function variants in CD55 are known to be pathogenic (PMID: 28657829, 28657861).

Literature cited by the submitters: PubMed 28657829; PubMed 28657861.